The following is an entry in ClinVar:

ClinVar aggregate classification (germline): Pathogenic (1 of 4 stars; one submission).

Submission:

Labcorp Genetics (formerly Invitae), Labcorp
Classification: Pathogenic. Last evaluated: 2022-01-03. Review status: criteria provided, single submitter. Criteria: Invitae Variant Classification Sherloc (09022015). Collection method: clinical testing. Allele origin: germline.
Comment: For these reasons, this variant has been classified as Pathogenic. This variant has not been reported in the literature in individuals affected with SLC26A4-related conditions. This variant is not present in population databases (gnomAD no frequency). This sequence change creates a premature translational stop signal (p.Val26Glyfs*61) in the SLC26A4 gene. It is expected to result in an absent or disrupted protein product. Loss-of-function variants in SLC26A4 are known to be pathogenic (PMID: 16283880, 25394566, 26252218, 26445815).

Literature cited by the submitters: PubMed 16283880; PubMed 25394566; PubMed 26252218; PubMed 26445815.

NM_000441.2(SLC26A4):c.76dup (p.Val26fs)

Genes: SLC26A4 (solute carrier family 26 member 4; plus strand), SLC26A4-AS1 (SLC26A4 antisense RNA 1; minus strand). Cytogenetic location: 7q22.3.
Variant type: Duplication.
Coding change: c.76dup on transcript NM_000441.2 (MANE Select); coding-DNA position 76, one base duplicated (G; older notation c.76dupG).
Protein change: p.Val26fs; shifts the reading frame from valine 26.
Molecular consequence: frameshift variant. On other transcripts: non-coding transcript variant (1).
Genome position (GRCh38, 1-based): chr7:107,661,717, G duplicated; the last of 2 consecutive G bases (chr7:107,661,716-107,661,717); duplicating either gives the same sequence. VCF-style (leftmost placement, unchanged base first): chr7-107661715-C-CG. GRCh37 (hg19) VCF-style: chr7-107302160-C-CG.
Other names: short protein forms V26fs.
Identifiers: ClinVar variation 2073100 (VCV002073100.4), dbSNP rs2535278164, ClinGen allele CA2580076145.